The following is an entry in ClinVar:

ClinVar aggregate classification (germline): Likely benign (1 of 4 stars; one submission).

Allele frequency attached by ClinVar (database versions not stated): TOPMed 0.02172; gnomAD 0.02396 and 0.02524; 1000 Genomes Project 0.03395; 1000 Genomes Project 30x 0.03498.
gnomAD v4.1: 3,819 of 152,094 alleles (2.5%); highest among the groups gnomAD compares: East Asian, 5.9%; 66 homozygotes.

Submission:

GeneDx
Classification: Likely benign. Last evaluated: 2018-06-15. Review status: criteria provided, single submitter. Criteria: GeneDx Variant Classification (06012015). Collection method: clinical testing. Allele origin: germline. Affected: yes.
Comment: This variant is considered likely benign or benign based on one or more of the following criteria: it is a conservative change, it occurs at a poorly conserved position in the protein, it is predicted to be benign by multiple in silico algorithms, and/or has population frequency not consistent with disease.

NM_001267550.2(TTN):c.44281+170G>A

Gene: TTN (titin; minus strand). Cytogenetic location: 2q31.2.
Variant type: single nucleotide variant.
Coding change: c.44281+170G>A on transcript NM_001267550.2 (MANE Select); 170 bases into the intron after coding-DNA position 44281, G replaced by A.
Molecular consequence: intron variant.
Genome position (GRCh38, 1-based): chr2:178,630,071, C>T on the plus strand (G>A on the coding strand, the complement: TTN is on the minus strand). VCF-style: chr2-178630071-C-T. GRCh37 (hg19) VCF-style: chr2-179494798-C-T.
Other names: c.17086+170G>A (NM_003319.4); c.17662+170G>A (NM_133437.4); c.17461+170G>A (NM_133432.3); c.36577+170G>A (NM_133378.4); c.39358+170G>A (NM_001256850.1).
Identifiers: ClinVar variation 674607 (VCV000674607.1), dbSNP rs72677215, ClinGen allele CA61000857.